The following is an entry in ClinVar:

NM_001621.5(AHR):c.2271C>A (p.Ala757=)

Gene: AHR (aryl hydrocarbon receptor; plus strand). Cytogenetic location: 7p21.1.
Variant type: single nucleotide variant.
Coding change: c.2271C>A on transcript NM_001621.5 (MANE Select); coding-DNA position 2271, C replaced by A.
Protein change: p.Ala757=; no amino-acid change (alanine 757 retained).
Molecular consequence: synonymous variant.
Genome position (GRCh38, 1-based): chr7:17,340,096, C>A. VCF-style: chr7-17340096-C-A. GRCh37 (hg19) VCF-style: chr7-17379720-C-A.
Other names: c.2271C>A (NM_001621.4).
Identifiers: ClinVar variation 1087093 (VCV001087093.11), dbSNP rs151173074, ClinGen allele CA4172251.

ClinVar aggregate classification (germline): Likely benign. Review status: criteria provided, single submitter (1 of 4 stars). 2 submissions from 2 submitters: Likely benign (1). 1 of the submissions does not count toward it. Last evaluated 2026-01-25.

Conditions:
AHR-related disorder. Also called: AHR-related condition.

Allele frequency attached by ClinVar (database versions not stated): gnomAD exomes 0.00004 and 0.00010; ExAC 0.00011; ESP Exome Variant Server 0.00015; 1000 Genomes Project 30x 0.00031; 1000 Genomes Project 0.00040; gnomAD 0.00046 and 0.00053; TOPMed 0.00054.
gnomAD v4.1: 129 of 1,614,148 alleles (0.008%); highest among the groups gnomAD compares: African/African-American, 0.15%; no homozygotes.

Submissions (2):

Labcorp Genetics (formerly Invitae), Labcorp
Classification: Likely benign. Last evaluated: 2026-01-25. Review status: criteria provided, single submitter. Criteria: Invitae Variant Classification Sherloc (09022015). Collection method: clinical testing. Allele origin: germline.

PreventionGenetics, part of Exact Sciences
Classification: Likely benign for AHR-related condition. Last evaluated: 2019-08-13. Review status: no assertion criteria provided. Collection method: clinical testing. Allele origin: germline. Not counted in ClinVar's aggregate classification.
Comment: This variant is classified as likely benign based on ACMG/AMP sequence variant interpretation guidelines (Richards et al. 2015 PMID: 25741868, with internal and published modifications).